The following is an entry in ClinVar:

ClinVar aggregate classification (germline): Uncertain significance. Review status: criteria provided, multiple submitters, no conflicts (2 of 4 stars). 6 submissions from 6 submitters: Uncertain significance (6). Last evaluated 2026-01-02.

Conditions:
Malignant hyperthermia, susceptibility to, 1 (MHS1). Also called: Anesthesia related hyperthermia; Malignant hyperpyrexia; Fulminating hyperpyrexia; Pharmacogenic myopathy; Malignant hyperthermia suceptibility 1; RYR1-Related Malignant Hyperthermia Susceptibility. Identifiers: Orphanet 423, MedGen C2930980, MONDO:0007783, OMIM 145600.
Central core myopathy (CMYO1A). Also called: CONGENITAL MYOPATHY 1A, AUTOSOMAL DOMINANT, WITH SUSCEPTIBILITY TO MALIGNANT HYPERTHERMIA; Central core disease; Myopathy, central fibrillar. Identifiers: Orphanet 597, MedGen C5830701, MONDO:0007294, OMIM 117000.
King Denborough syndrome (KDS). Identifiers: MedGen C1840365, MONDO:0020485, OMIM 619542.
Congenital multicore myopathy with external ophthalmoplegia (CMYO1B). Also called: MULTICORE MYOPATHY; MULTIMINICORE DISEASE WITH EXTERNAL OPHTHALMOPLEGIA; Congenital myopathy 1B, autosomal recessive; Minicore myopathy; Minicore myopathy with external ophthalmoplegia. Identifiers: Orphanet 598, Orphanet 98905, MedGen C1850674, MONDO:0009712, OMIM 255320, HP:0003789.
Congenital myopathy with fiber type disproportion. Also called: Congenital fiber-type disproportion; Congenital fiber-type disproportion myopathy. Identifiers: Orphanet 2020, MedGen C0546264, MONDO:0009711. Inheritance: all.
RYR1-related disorder. Also called: RYR1-related disorders; RYR1-related condition. Identifiers: MedGen CN239331.

Allele frequency attached by ClinVar (database versions not stated): ExAC 0.00001; gnomAD 0.00002; TOPMed 0.00002; gnomAD exomes 0.00003 and 0.00004.
gnomAD v4.1: 65 of 1,606,868 alleles (0.004%); highest among the groups gnomAD compares: Non-Finnish European, 0.0049%; no homozygotes.

Submissions (6):

Labcorp Genetics (formerly Invitae), Labcorp
Classification: Uncertain significance for RYR1-related disorder. Last evaluated: 2026-01-02. Review status: criteria provided, single submitter. Criteria: Invitae Variant Classification Sherloc (09022015). Collection method: clinical testing. Allele origin: germline.
Comment: This sequence change replaces aspartic acid, which is acidic and polar, with asparagine, which is neutral and polar, at codon 17 of the RYR1 protein (p.Asp17Asn). This variant is present in population databases (rs755878800, gnomAD 0.005%). This variant has not been reported in the literature in individuals affected with RYR1-related conditions. ClinVar contains an entry for this variant (Variation ID: 842174). Invitae Evidence Modeling of protein sequence and biophysical properties (such as structural, functional, and spatial information, amino acid conservation, physicochemical variation, residue mobility, and thermodynamic stability) indicates that this missense variant is expected to disrupt RYR1 protein function with a positive predictive value of 95%. In summary, the available evidence is currently insufficient to determine the role of this variant in disease. Therefore, it has been classified as a Variant of Uncertain Significance.

Women's Health and Genetics/Laboratory Corporation of America, LabCorp
Classification: Uncertain significance. Last evaluated: 2024-12-02. Review status: criteria provided, single submitter. Criteria: LabCorp Variant Classification Summary - May 2015. Collection method: clinical testing. Allele origin: germline.
Comment: Variant summary: RYR1 c.49G>A (p.Asp17Asn) results in a conservative amino acid change located in the Inositol 1,4,5-trisphosphate/ryanodine receptor domain (IPR014821) of the encoded protein sequence. Three of five in-silico tools predict a damaging effect of the variant on protein function. The variant allele was found at a frequency of 2.9e-05 in 241814 control chromosomes. The available data on variant occurrences in the general population are insufficient to allow any conclusion about variant significance. To our knowledge, no occurrence of c.49G>A in individuals affected with RYR1-related conditions and no experimental evidence demonstrating its impact on protein function have been reported. ClinVar contains an entry for this variant (Variation ID: 842174). Based on the evidence outlined above, the variant was classified as uncertain significance.

3billion
Classification: Uncertain significance for RYR1-related disorder. Last evaluated: 2024-06-30. Review status: criteria provided, single submitter. Criteria: ACMG Guidelines, 2015. Collection method: clinical testing. Allele origin: germline. Affected: yes.
Comment: The variant is observed in the gnomAD v4.0.0 dataset (total allele frequency: 0.004%). Predicted Consequence/Location: The variant is located in a mutational hot spot and/or well-established functional domain in which established pathogenic variants have been reported (PMID: 33767344). In silico tool predictions suggest damaging effect of the variant on gene or gene product [REVEL: 0.75 (>=0.6, sensitivity 0.68 and specificity 0.92); 3Cnet: 0.27 (>=0.6, sensitivity 0.72 and precision 0.9)]. The variant has been reported as of uncertain significance (ClinVar ID: VCV000842174; 3billion dataset). Therefore, this variant is classified as VUS according to the recommendation of ACMG/AMP guideline.

Color Diagnostics, LLC DBA Color Health
Classification: Uncertain significance for Malignant hyperthermia, susceptibility to, 1. Last evaluated: 2024-04-11. Review status: criteria provided, single submitter. Criteria: ACMG Guidelines, 2015. Collection method: clinical testing. Allele origin: germline.
Comment: This missense variant replaces aspartic acid with asparagine at codon 17 of the RYR1 protein. Computational prediction is inconclusive regarding the impact of this variant on protein structure and function. To our knowledge, functional studies have not been reported for this variant. This variant has not been reported in individuals affected with RYR1-related disorders in the literature. This variant has been identified in 7/241814 chromosomes in the general population by the Genome Aggregation Database (gnomAD). The available evidence is insufficient to determine the role of this variant in disease conclusively. Therefore, this variant is classified as a Variant of Uncertain Significance.

MGZ Medical Genetics Center
Classification: Uncertain significance for Malignant hyperthermia, susceptibility to, 1. Last evaluated: 2021-10-06. Review status: criteria provided, single submitter. Criteria: ACMG Guidelines, 2015. Collection method: clinical testing. Allele origin: germline. Affected: yes. Observed: 1 variant allele.
Comment: ACMG criteria applied: PM2_SUP, PP3

Fulgent Genetics
Classification: Uncertain significance for Central core myopathy; Malignant hyperthermia, susceptibility to, 1; Congenital myopathy 4A, autosomal dominant; Congenital multicore myopathy with external ophthalmoplegia; King Denborough syndrome. Last evaluated: 2021-09-14. Review status: criteria provided, single submitter. Criteria: ACMG Guidelines, 2015. Collection method: clinical testing. Allele origin: unknown.

NM_000540.3(RYR1):c.49G>A (p.Asp17Asn)

Gene: RYR1 (ryanodine receptor 1; plus strand). Cytogenetic location: 19q13.2.
Variant type: single nucleotide variant.
Coding change: c.49G>A on transcript NM_000540.3 (MANE Select); coding-DNA position 49, G replaced by A.
Protein change: p.Asp17Asn; replaces aspartic acid 17 with asparagine.
Molecular consequence: missense variant.
Genome position (GRCh38, 1-based): chr19:38,440,748, G>A. VCF-style: chr19-38440748-G-A. GRCh37 (hg19) VCF-style: chr19-38931388-G-A.
Other names: c.49G>A, p.Asp17Asn (NM_001042723.2); short protein forms D17N.
Identifiers: ClinVar variation 842174 (VCV000842174.14), dbSNP rs755878800, ClinGen allele CA066584.